The following is an entry in ClinVar:

ClinVar aggregate classification (germline): Uncertain significance (1 of 4 stars; one submission).

Conditions:
X-linked Alport syndrome (ATS1). Also called: NEPHROPATHY AND DEAFNESS, X-LINKED; COL4A5-Related Nephropathy. Identifiers: Orphanet 63, Orphanet 88917, MedGen C4746986, MONDO:0010520, OMIM 301050.

gnomAD v4.1: 2 of 1,207,250 alleles (0.00017%); highest among the groups gnomAD compares: Non-Finnish European, 0.00022%; no homozygotes.

Submission:

Pittsburgh Clinical Genomics Laboratory, University of Pittsburgh Medical Center
Classification: Uncertain significance for X-linked Alport syndrome. Last evaluated: 2022-06-16. Review status: criteria provided, single submitter. Criteria: ACMG Guidelines, 2015. Collection method: clinical testing. Allele origin: germline. Inheritance: X-linked dominant inheritance. Affected: yes.
Comment: This sequence variant is a single nucleotide substitution (C>T) at coding nucleotide position 2525 of the COL4A5 gene which results in a proline to leucine amino acid change at residue 842 in the COL4A5 protein. This is novel variant which has not been reported in clinical genetics databases or observed in the medical literature in individuals with COL4A5-related disease, to our knowledge. This variant is absent from the gnomAD control population dataset (0/~181600 alleles). Multiple bioinformatic tools predict that this protein change is likely to be damaging, and the Pro842 residue is highly conserved in terrestrial vertebrates. Functiol studies assessing the effect of this variant on protein structure or activity have not been performed, to our knowledge. At this time, there is insufficient evidence to determine if this variant is pathogenic or benign. Therefore, we consider it to be a variant of uncertain significance. ACMG Criteria: PM2

NM_033380.3(COL4A5):c.2525C>T (p.Pro842Leu)

Gene: COL4A5 (collagen type IV alpha 5 chain; plus strand). Cytogenetic location: Xq22.3.
Variant type: single nucleotide variant.
Coding change: c.2525C>T on transcript NM_033380.3 (MANE Select); coding-DNA position 2525, C replaced by T.
Protein change: p.Pro842Leu; replaces proline 842 with leucine.
Molecular consequence: missense variant.
Genome position (GRCh38, 1-based): chrX:108,620,274, C>T. VCF-style: chrX-108620274-C-T. GRCh37 (hg19) VCF-style: chrX-107863504-C-T.
Other names: c.2525C>T, p.Pro842Leu (NM_000495.5); short protein forms P842L.
Identifiers: ClinVar variation 3376221 (VCV003376221.1).
Genomic context (GRCh38, chrX:108,620,274, plus strand): 5'-TAAAACTGCTTCAGTACTTATTAATATTGATATTGTATTAACTAGGTTTACATGGAATAC[C>T]AGGAGAGAAGGGGGATCCAGGACCTCCTGGACTTGATGTTCCAGGACCCCCAGGTGAAAG-3'
Protein context (NP_203699.1, residues 832-852): PIGQPGLHGI[Pro842Leu]GEKGDPGPPG